The following is an entry in ClinVar:

NM_000541.5(SAG):c.916G>T (p.Glu306Ter)

Gene: SAG (S-antigen visual arrestin; plus strand). Cytogenetic location: 2q37.1.
Variant type: single nucleotide variant.
Coding change: c.916G>T on transcript NM_000541.5 (MANE Select); coding-DNA position 916, G replaced by T.
Protein change: p.Glu306Ter; replaces glutamic acid 306 with a stop codon.
Molecular consequence: nonsense.
Genome position (GRCh38, 1-based): chr2:233,335,071, G>T. VCF-style: chr2-233335071-G-T. GRCh37 (hg19) VCF-style: chr2-234243717-G-T.
Other names: short protein forms E306*.
Identifiers: ClinVar variation 41898 (VCV000041898.2), dbSNP rs397514682, ClinGen allele CA130899.

ClinVar aggregate classification (germline): Pathogenic. Review status: criteria provided, single submitter (1 of 4 stars). 2 submissions from 2 submitters: Pathogenic (1). 1 of the submissions does not count toward it. Last evaluated 2022-01-03.

Conditions:
Oguchi disease. Also called: Oguchi's disease. Identifiers: Orphanet 75382, MedGen C1306122, MONDO:0019152.
Retinitis pigmentosa 47 (RP47). Identifiers: Orphanet 791, MedGen C3151061, MONDO:0013407, OMIM 613758.

Submissions (2):

3billion
Classification: Pathogenic for Retinitis pigmentosa 47. Last evaluated: 2022-01-03. Review status: criteria provided, single submitter. Criteria: ACMG Guidelines, 2015. Collection method: clinical testing. Allele origin: germline. Affected: yes. Observed: 1 homozygote.
Comment: Stop-gained (nonsense): predicted to result in a loss or disruption of normal protein function through nonsense-mediated decay (NMD) or protein truncation. Multiple pathogenic variants are reported downstream of the variant (PVS1_VS).The variant has been reported to be associated with SAG related disorder (ClinVar ID: VCV000041898, PMID:22665972).It is observed at an extremely low frequency in the gnomAD v2.1.1 dataset (total allele frequency: 0.000004, PM2_M). Therefore, this variant is classified as pathogenic according to the recommendation of ACMG/AMP guideline.

OMIM
Classification: Pathogenic for OGUCHI DISEASE 1. Last evaluated: 2012-01-01. Review status: no assertion criteria provided. Collection method: literature only. Allele origin: germline. Not counted in ClinVar's aggregate classification.

Literature cited by the submitters: PubMed 22665972 (cited by 3billion and OMIM).